The following is an entry in ClinVar:

NM_000020.3(ACVRL1):c.1250_1269del (p.Ile417fs)

Gene: ACVRL1 (activin A receptor like type 1; plus strand). Cytogenetic location: 12q13.13.
Variant type: Deletion.
Coding change: c.1250_1269del on transcript NM_000020.3 (MANE Select); coding-DNA positions 1250 to 1269, 20 bases deleted (TCGTGGAGGACTATAGACCA).
Protein change: p.Ile417fs; shifts the reading frame from isoleucine 417.
Molecular consequence: frameshift variant.
Genome position (GRCh38, 1-based): chr12:51,918,988-51,919,007, TCGTGGAGGACTATAGACCA deleted; deleting any 20 consecutive bases within chr12:51,918,986-51,919,007 gives the same sequence; the c. name uses the placement nearest the transcript's 3' end. VCF-style (leftmost placement, unchanged base first): chr12-51918985-GCATCGTGGAGGACTATAGAC-G. GRCh37 (hg19) VCF-style: chr12-52312769-GCATCGTGGAGGACTATAGAC-G.
Other names: c.1250_1269delTCGTGGAGGACTATAGACCA (NM_000020.2); c.1250_1269del, p.Ile417fs (NM_001077401.2); short protein forms I417fs.
Identifiers: ClinVar variation 464756 (VCV000464756.8), dbSNP rs1555153796, ClinGen allele CA658656295.

ClinVar aggregate classification (germline): Pathogenic. Review status: criteria provided, multiple submitters, no conflicts (2 of 4 stars). 2 submissions from 2 submitters: Pathogenic (2). Last evaluated 2025-01-29.

Conditions:
Telangiectasia, hereditary hemorrhagic, type 2 (HHT2). Also called: ACVRL1-Related Hereditary Hemorrhagic Telangiectasia; Telangiectasia, hereditary hemorrhagic, type II. Identifiers: Orphanet 774, MedGen C1838163, MONDO:0010880, OMIM 600376. Disease mechanism: loss of function.
Cardiovascular phenotype. Identifiers: MedGen CN230736.

Submissions (2):

Labcorp Genetics (formerly Invitae), Labcorp
Classification: Pathogenic for Telangiectasia, hereditary hemorrhagic, type 2. Last evaluated: 2025-01-29. Review status: criteria provided, single submitter. Criteria: Invitae Variant Classification Sherloc (09022015). Collection method: clinical testing. Allele origin: germline.
Comment: This sequence change creates a premature translational stop signal (p.Ile417Thrfs*4) in the ACVRL1 gene. It is expected to result in an absent or disrupted protein product. Loss-of-function variants in ACVRL1 are known to be pathogenic (PMID: 15879500). This variant is not present in population databases (gnomAD no frequency). This variant has not been reported in the literature in individuals affected with ACVRL1-related conditions. ClinVar contains an entry for this variant (Variation ID: 464756). For these reasons, this variant has been classified as Pathogenic.

Ambry Genetics
Classification: Pathogenic for Cardiovascular phenotype. Last evaluated: 2020-11-19. Review status: criteria provided, single submitter. Criteria: Ambry Variant Classification Scheme 2023. Collection method: clinical testing. Allele origin: germline.
Comment: The c.1250_1269del20 pathogenic mutation, located in coding exon 8 of the ACVRL1 gene, results from a deletion of 20 nucleotides at nucleotide positions 1250 to 1269, causing a translational frameshift with a predicted alternate stop codon (p.I417Tfs*4). This alteration is expected to result in loss of function by premature protein truncation or nonsense-mediated mRNA decay. As such, this alteration is interpreted as a disease-causing mutation.

Literature cited by the submitters: PubMed 15879500 (cited by Labcorp Genetics (formerly Invitae), Labcorp).